The following is an entry in ClinVar:

ClinVar aggregate classification (germline): Likely benign. Review status: criteria provided, multiple submitters, no conflicts (2 of 4 stars). 2 submissions from 2 submitters: Likely benign (2). Last evaluated 2025-12-29.

Allele frequency attached by ClinVar (database versions not stated): ExAC 0.00002; gnomAD 0.00002; TOPMed 0.00003.
gnomAD v4.1: 26 of 1,613,458 alleles (0.0016%); highest among the groups gnomAD compares: Middle Eastern, 0.016%; no homozygotes.

Submissions (2):

Labcorp Genetics (formerly Invitae), Labcorp
Classification: Likely benign. Last evaluated: 2025-12-29. Review status: criteria provided, single submitter. Criteria: Invitae Variant Classification Sherloc (09022015). Collection method: clinical testing. Allele origin: germline.

CeGaT Center for Human Genetics Tuebingen
Classification: Likely benign. Last evaluated: 2025-11-01. Review status: criteria provided, single submitter. Criteria: CeGaT Center For Human Genetics Tuebingen Variant Classification Criteria Version 2. Collection method: clinical testing. Allele origin: germline. Affected: yes. Observed: 1 variant allele.
Comment: RTTN: BP4, BP7

NM_173630.4(RTTN):c.2256G>A (p.Pro752=)

Gene: RTTN (rotatin; minus strand). Cytogenetic location: 18q22.2.
Variant type: single nucleotide variant.
Coding change: c.2256G>A on transcript NM_173630.4 (MANE Select); coding-DNA position 2256, G replaced by A.
Protein change: p.Pro752=; no amino-acid change (proline 752 retained).
Molecular consequence: synonymous variant. On other transcripts: 5 prime UTR variant (1).
Genome position (GRCh38, 1-based): chr18:70,148,954, C>T on the plus strand (G>A on the coding strand, the complement: RTTN is on the minus strand). VCF-style: chr18-70148954-C-T. GRCh37 (hg19) VCF-style: chr18-67816190-C-T.
Other names: c.-392G>A (NM_001318520.2).
Identifiers: ClinVar variation 1555048 (VCV001555048.14), dbSNP rs778505726, ClinGen allele CA8995939.